The following is an entry in ClinVar:

ClinVar aggregate classification (germline): Uncertain significance (1 of 4 stars; one submission).

Submission:

Labcorp Genetics (formerly Invitae), Labcorp
Classification: Uncertain significance. Last evaluated: 2021-11-11. Review status: criteria provided, single submitter. Criteria: Invitae Variant Classification Sherloc (09022015). Collection method: clinical testing. Allele origin: germline.
Comment: This variant is not present in population databases (gnomAD no frequency). This missense change has been observed in individual(s) with clinical features of late onset retinal degeneration (Invitae). Algorithms developed to predict the effect of missense changes on protein structure and function (SIFT, PolyPhen-2, Align-GVGD) all suggest that this variant is likely to be disruptive. This variant disrupts the p.Gln180Glu amino acid residue in C1QTNF5. Other variant(s) that disrupt this residue have been determined to be pathogenic (PMID: 33669876). This suggests that this residue is clinically significant, and that variants that disrupt this residue are likely to be disease-causing. In summary, the available evidence is currently insufficient to determine the role of this variant in disease. Therefore, it has been classified as a Variant of Uncertain Significance. This sequence change replaces glutamine, which is neutral and polar, with proline, which is neutral and non-polar, at codon 180 of the C1QTNF5 protein (p.Gln180Pro).

Literature cited by the submitters: PubMed 33669876.

NM_001278431.2(C1QTNF5):c.539A>C (p.Gln180Pro)

Genes: C1QTNF5 (C1q and TNF related 5; minus strand), MFRP (membrane frizzled-related protein; minus strand). Cytogenetic location: 11q23.3.
Variant type: single nucleotide variant.
Coding change: c.539A>C on transcript NM_001278431.2 (MANE Select); coding-DNA position 539, A replaced by C.
Protein change: p.Gln180Pro; replaces glutamine 180 with proline.
Molecular consequence: missense variant. On other transcripts: 3 prime UTR variant (1).
Genome position (GRCh38, 1-based): chr11:119,339,524, T>G on the plus strand (A>C on the coding strand, the complement: C1QTNF5 is on the minus strand). VCF-style: chr11-119339524-T-G. GRCh37 (hg19) VCF-style: chr11-119210234-T-G.
Other names: c.539A>C, p.Gln180Pro (NM_015645.5); c.*1435A>C (NM_031433.4); short protein forms Q180P.
Identifiers: ClinVar variation 1392627 (VCV001392627.6), dbSNP rs2135364045, ClinGen allele CA382968629.